The following is an entry in ClinVar:

NM_025215.6(PUS1):c.1171C>T (p.Leu391=)

Gene: PUS1 (pseudouridine synthase 1; plus strand). Cytogenetic location: 12q24.33.
Variant type: single nucleotide variant.
Coding change: c.1171C>T on transcript NM_025215.6 (MANE Select); coding-DNA position 1171, C replaced by T.
Protein change: p.Leu391=; no amino-acid change (leucine 391 retained).
Molecular consequence: synonymous variant.
Genome position (GRCh38, 1-based): chr12:131,941,918, C>T. VCF-style: chr12-131941918-C-T. GRCh37 (hg19) VCF-style: chr12-132426463-C-T.
Other names: c.1171C>T (NM_025215.5); c.1087C>T, p.Leu363= (NM_001002019.3, NM_001002020.3).
Identifiers: ClinVar variation 1105058 (VCV001105058.10), dbSNP rs755302502, ClinGen allele CA6884338.

ClinVar aggregate classification (germline): Likely benign. Review status: criteria provided, multiple submitters, no conflicts (2 of 4 stars). 2 submissions from 2 submitters: Likely benign (2). Last evaluated 2026-01-07.

Conditions:
PUS1-related disorder. Also called: PUS1-related condition.

Allele frequency attached by ClinVar (database versions not stated): gnomAD exomes 0.00001 and 0.00004; gnomAD 0.00002; TOPMed 0.00003; ExAC 0.00004.
gnomAD v4.1: 15 of 1,612,984 alleles (0.00093%); highest among the groups gnomAD compares: Admixed American, 0.023%; no homozygotes.

Submissions (2):

Labcorp Genetics (formerly Invitae), Labcorp
Classification: Likely benign. Last evaluated: 2026-01-07. Review status: criteria provided, single submitter. Criteria: Invitae Variant Classification Sherloc (09022015). Collection method: clinical testing. Allele origin: germline.

PreventionGenetics, part of Exact Sciences
Classification: Likely benign for PUS1-related condition. Last evaluated: 2025-04-08. Review status: criteria provided, single submitter. Criteria: ACMG Guidelines, 2015. Collection method: clinical testing. Allele origin: germline.
Comment: This variant is classified as likely benign based on ACMG/AMP sequence variant interpretation guidelines (Richards et al. 2015 PMID: 25741868, with internal and published modifications).